The following is an entry in ClinVar:

ClinVar aggregate classification (germline): Likely benign. Review status: criteria provided, multiple submitters, no conflicts (2 of 4 stars). 2 submissions from 2 submitters: Likely benign (2). Last evaluated 2026-07-06.

Conditions:
Rhabdoid tumor predisposition syndrome 2 (RTPS2). Identifiers: Orphanet 231108, Orphanet 69077, MedGen C2750074, MONDO:0013224, OMIM 613325.

Allele frequency attached by ClinVar (database versions not stated): gnomAD exomes below 0.00001.
gnomAD v4.1: 1 of 1,602,564 alleles (0.000062%); highest among the groups gnomAD compares: Non-Finnish European, 0.000085%; no homozygotes.

Submissions (2):

Myriad Genetics, Inc.
Classification: Likely benign for Rhabdoid tumor predisposition syndrome 2. Last evaluated: 2026-07-06. Review status: criteria provided, single submitter. Criteria: Myriad Autosomal Dominant, Autosomal Recessive and X-Linked Classification Criteria (2023). Collection method: clinical testing. Allele origin: unknown.
Comment: This variant is considered likely benign. This variant is intronic and is not expected to impact mRNA splicing.

Labcorp Genetics (formerly Invitae), Labcorp
Classification: Likely benign for Rhabdoid tumor predisposition syndrome 2. Last evaluated: 2024-10-09. Review status: criteria provided, single submitter. Criteria: Invitae Variant Classification Sherloc (09022015). Collection method: clinical testing. Allele origin: germline.

NM_003072.5(SMARCA4):c.761-8A>G

Gene: SMARCA4 (SWI/SNF related BAF chromatin remodeling complex subunit ATPase 4; plus strand). Cytogenetic location: 19p13.2.
Variant type: single nucleotide variant.
Coding change: c.761-8A>G on transcript NM_003072.5 (MANE Select); 8 bases into the intron before coding-DNA position 761, A replaced by G.
Molecular consequence: intron variant.
Genome position (GRCh38, 1-based): chr19:10,986,897, A>G. VCF-style: chr19-10986897-A-G. GRCh37 (hg19) VCF-style: chr19-11097573-A-G.
Other names: c.761-8A>G (NM_001128844.3, NM_001128849.3, NM_001128847.4 and 5 more transcripts).
Identifiers: ClinVar variation 537896 (VCV000537896.9), dbSNP rs1176344302, ClinGen allele CA631768281.
Genomic context (GRCh38, chr19:10,986,897, plus strand): 5'-CCACGGGGCTGGGCGCAGGCATAAACCTGGGACGCACTGTTTTCTCTTTTGTTTCTCCCT[A>G]CATGTAGGTATGGGAGGGCCCAACATGCCTCCCCCAGGACCCTCGGGCGTGCCCCCCGGG-3'